The following is an entry in ClinVar:

ClinVar aggregate classification (germline): Uncertain significance (1 of 4 stars; one submission).

Conditions:
Inborn genetic diseases. Identifiers: MedGen C0950123, MeSH D030342.

Submission:

Ambry Genetics
Classification: Uncertain significance for Inborn genetic diseases. Last evaluated: 2023-08-15. Review status: criteria provided, single submitter. Criteria: Ambry Variant Classification Scheme 2023. Collection method: clinical testing. Allele origin: germline.
Comment: Not expected to trigger nonsense-mediated mRNA decay Based on insufficient or conflicting evidence, the clinical significance of this alteration remains unclear.

NM_001370298.3(FGD4):c.2492_2493del (p.Tyr831fs)

Gene: FGD4 (FYVE, RhoGEF and PH domain containing 4; plus strand). Cytogenetic location: 12p11.21.
Variant type: Deletion.
Coding change: c.2492_2493del on transcript NM_001370298.3 (MANE Select); coding-DNA positions 2492 to 2493, 2 bases deleted (AT; older notation c.2492_2493delAT).
Protein change: p.Tyr831fs; shifts the reading frame from tyrosine 831.
Molecular consequence: frameshift variant.
Genome position (GRCh38, 1-based): chr12:32,640,313-32,640,314, AT deleted; deleting any 2 consecutive bases within chr12:32,640,312-32,640,314 gives the same sequence; the c. name uses the placement nearest the transcript's 3' end. VCF-style (leftmost placement, unchanged base first): chr12-32640311-CTA-C. GRCh37 (hg19) VCF-style: chr12-32793245-CTA-C.
Other names: c.2336_2337del, p.Tyr779fs (NM_001304481.2); c.1049_1050del, p.Tyr350fs (NM_001304484.2); c.1802_1803del, p.Tyr601fs (NM_001330373.2, NM_001330374.2, NM_001384130.1); c.1529_1530del, p.Tyr510fs (NM_001370297.1); c.2492_2493del, p.Tyr831fs (NM_001384126.1); c.2081_2082del, p.Tyr694fs (NM_001384127.1, NM_001384128.1, NM_001385118.1 and 1 more transcripts); short protein forms Y601fs, Y694fs, Y510fs, Y779fs, Y350fs, Y831fs.
Identifiers: ClinVar variation 2616170 (VCV002616170.2), dbSNP rs2540868121, ClinGen allele CA2582342496.